The following is an entry in ClinVar:

NM_002863.5(PYGL):c.2056G>A (p.Gly686Arg)

Gene: PYGL (glycogen phosphorylase L; minus strand). Cytogenetic location: 14q22.1.
Variant type: single nucleotide variant.
Coding change: c.2056G>A on transcript NM_002863.5 (MANE Select); coding-DNA position 2056, G replaced by A.
Protein change: p.Gly686Arg; replaces glycine 686 with arginine.
Molecular consequence: missense variant.
Genome position (GRCh38, 1-based): chr14:50,910,016, C>T on the plus strand (G>A on the coding strand, the complement: PYGL is on the minus strand). VCF-style: chr14-50910016-C-T. GRCh37 (hg19) VCF-style: chr14-51376734-C-T.
Other names: c.1954G>A, p.Gly652Arg (NM_001163940.2); short protein forms G652R, G686R.
Identifiers: ClinVar variation 4845311 (VCV004845311.1).

ClinVar aggregate classification (germline): Likely pathogenic (1 of 4 stars; one submission).

Conditions:
Glycogen storage disease, type VI (GSD6). Also called: Glycogen storage disease type 6, due to phosphorylation; GSD VI; Glycogen storage disease type 6; Hepatic glycogen phosphorylase deficiency; HERS DISEASE; PHOSPHORYLASE DEFICIENCY GLYCOGEN-STORAGE DISEASE OF LIVER. Identifiers: Orphanet 369, MedGen C0017925, MONDO:0009294, OMIM 232700.

Submission:

Centro de Investigaciones en Bioquimica Clinica e Inmunologia, Consejo Nacional de Investigaciones Científicas y Técnicas
Classification: Likely pathogenic for Glycogen storage disease, type VI. Last evaluated: 2026-03-09. Review status: criteria provided, single submitter. Criteria: ACMG Guidelines, 2015. Collection method: research. Allele origin: germline. Inheritance: Autosomal recessive inheritance. Affected: yes. Observed: 1 variant allele.
Comment: The variant is absent from the gnomAD population database (PM2_Supporting). Computational evidence supports a deleterious effect on the gene product based on the meta-predictor REVEL (PP3_Strong). Additionally, the patient’s phenotype is highly specific and consistent with the disease associated with this gene (PP4). Considering the available evidence, this variant is classified as Likely Pathogenic.